The following is an entry in ClinVar:

NM_002528.7(NTHL1):c.334G>A (p.Asp112Asn)

Gene: NTHL1 (nth like DNA glycosylase 1; minus strand). Cytogenetic location: 16p13.3.
Variant type: single nucleotide variant.
Coding change: c.334G>A on transcript NM_002528.7 (MANE Select); coding-DNA position 334, G replaced by A.
Protein change: p.Asp112Asn; replaces aspartic acid 112 with asparagine.
Molecular consequence: missense variant. On other transcripts: intron variant (1).
Genome position (GRCh38, 1-based): chr16:2,046,148, C>T on the plus strand (G>A on the coding strand, the complement: NTHL1 is on the minus strand). VCF-style: chr16-2046148-C-T. GRCh37 (hg19) VCF-style: chr16-2096149-C-T.
Other names: c.334G>A, p.Asp112Asn (LRG_1366t1, NM_001318193.2); c.24+132G>A (NM_001318194.2); short protein forms D112N.
Identifiers: ClinVar variation 662685 (VCV000662685.14), dbSNP rs1000576492, ClinGen allele CA276765589.

ClinVar aggregate classification (germline): Uncertain significance. Review status: criteria provided, multiple submitters, no conflicts (2 of 4 stars). 3 submissions from 3 submitters: Uncertain significance (3). Last evaluated 2025-07-31.

Conditions:
Hereditary cancer-predisposing syndrome. Also called: Neoplastic Syndromes, Hereditary; Tumor predisposition; Hereditary neoplastic syndrome; Hereditary Cancer Syndrome. Identifiers: Orphanet 140162, MedGen C0027672, MeSH D009386, MONDO:0015356.

Allele frequency attached by ClinVar (database versions not stated): gnomAD exomes below 0.00001 and 0.00001; gnomAD 0.00002 and 0.00003; TOPMed 0.00002.
gnomAD v4.1: 4 of 1,612,886 alleles (0.00025%); highest among the groups gnomAD compares: African/African-American, 0.0053%; no homozygotes.

Submissions (3):

Labcorp Genetics (formerly Invitae), Labcorp
Classification: Uncertain significance. Last evaluated: 2025-07-31. Review status: criteria provided, single submitter. Criteria: Invitae Variant Classification Sherloc (09022015). Collection method: clinical testing. Allele origin: germline.
Comment: This sequence change replaces aspartic acid, which is acidic and polar, with asparagine, which is neutral and polar, at codon 120 of the NTHL1 protein (p.Asp120Asn). This variant is present in population databases (no rsID available, gnomAD 0.01%). This variant has not been reported in the literature in individuals affected with NTHL1-related conditions. ClinVar contains an entry for this variant (Variation ID: 662685). An algorithm developed to predict the effect of missense changes on protein structure and function (PolyPhen-2) suggests that this variant is likely to be disruptive. In summary, the available evidence is currently insufficient to determine the role of this variant in disease. Therefore, it has been classified as a Variant of Uncertain Significance.

Ambry Genetics
Classification: Uncertain significance for Hereditary cancer-predisposing syndrome. Last evaluated: 2024-12-15. Review status: criteria provided, single submitter. Criteria: Ambry Variant Classification Scheme 2023. Collection method: clinical testing. Allele origin: germline.
Comment: The p.D120N variant (also known as c.358G>A), located in coding exon 2 of the NTHL1 gene, results from a G to A substitution at nucleotide position 358. The aspartic acid at codon 120 is replaced by asparagine, an amino acid with highly similar properties. This amino acid position is conserved. In addition, the in silico prediction for this alteration is inconclusive. Since supporting evidence is limited at this time, the clinical significance of this alteration remains unclear.

Sema4
Classification: Uncertain significance for Hereditary cancer-predisposing syndrome. Last evaluated: 2022-01-15. Review status: criteria provided, single submitter. Criteria: Sema4 Curation Guidelines. Collection method: curation. Allele origin: germline.
Comment: The NTHL1 c.358G>A (p.D120N) variant has not been reported in the literature to our knowledge. It was observed in 2/16236 chromosomes of the African subpopulation in the large and broad cohorts of the Genome Aggregation Database (PMID: 32461654), and has been reported in ClinVar (Variation ID 662685). Functional studies have not been performed, and in silico predictions of the variant's effect on protein function are inconclusive. The evidence is insufficient to meet ACMG/AMP criteria for classifying the variant as benign or pathogenic. Thus, the clinical significance of this variant is currently uncertain.